The following is an entry in ClinVar:

NM_000051.4(ATM):c.2956G>T (p.Val986Phe)

Gene: ATM (ATM serine/threonine kinase; plus strand). Cytogenetic location: 11q22.3.
Variant type: single nucleotide variant.
Coding change: c.2956G>T on transcript NM_000051.4 (MANE Select); coding-DNA position 2956, G replaced by T.
Protein change: p.Val986Phe; replaces valine 986 with phenylalanine.
Molecular consequence: missense variant.
Genome position (GRCh38, 1-based): chr11:108,271,285, G>T. VCF-style: chr11-108271285-G-T. GRCh37 (hg19) VCF-style: chr11-108142012-G-T.
Other names: c.2956G>T, p.Val986Phe (NM_001351834.2); short protein forms V986F.
Identifiers: ClinVar variation 1798112 (VCV001798112.2), dbSNP rs771065430, ClinGen allele CA382547205.

ClinVar aggregate classification (germline): Uncertain significance (1 of 4 stars; one submission).

Conditions:
Hereditary cancer-predisposing syndrome. Also called: Neoplastic Syndromes, Hereditary; Tumor predisposition; Hereditary Cancer Syndrome; Hereditary neoplastic syndrome. Identifiers: Orphanet 140162, MedGen C0027672, MeSH D009386, MONDO:0015356.

Submission:

Ambry Genetics
Classification: Uncertain significance for Hereditary cancer-predisposing syndrome. Last evaluated: 2021-12-10. Review status: criteria provided, single submitter. Criteria: Ambry Variant Classification Scheme 2023. Collection method: clinical testing. Allele origin: germline.
Comment: The p.V986F variant (also known as c.2956G>T), located in coding exon 19 of the ATM gene, results from a G to T substitution at nucleotide position 2956. The valine at codon 986 is replaced by phenylalanine, an amino acid with highly similar properties. This amino acid position is conserved. In addition, the in silico prediction for this alteration is inconclusive. Since supporting evidence is limited at this time, the clinical significance of this alteration remains unclear.